The following is an entry in ClinVar:

ClinVar aggregate classification (germline): Uncertain significance (1 of 4 stars; one submission).

Conditions:
Pseudo-Hurler polydystrophy. Also called: ML III; ML III ALPHA/BETA; MUCOLIPIDOSIS IIIA; Type III Mucolipidosis; ML IIIA; Mucolipidosis III Alpha/Beta. Identifiers: Orphanet 423461, Orphanet 577, MedGen C0033788, MONDO:0018931, OMIM 252600.
Mucolipidosis type II. Also called: ML II ALPHA/BETA; Mucolipidosis 2; ML 2; Inclusion cell disease; Leroy Disease; N-acetylglucosamine 1phosphotransferase deficiency. Identifiers: Orphanet 576, MedGen C2673377, MONDO:0009650, OMIM 252500.

Allele frequency attached by ClinVar (database versions not stated): gnomAD 0.00001; gnomAD exomes below 0.00001.
gnomAD v4.1: 6 of 1,613,972 alleles (0.00037%); highest among the groups gnomAD compares: Admixed American, 0.0017%; no homozygotes.

Submission:

Labcorp Genetics (formerly Invitae), Labcorp
Classification: Uncertain significance for Pseudo-Hurler polydystrophy; Mucolipidosis type II. Last evaluated: 2021-09-17. Review status: criteria provided, single submitter. Criteria: Invitae Variant Classification Sherloc (09022015). Collection method: clinical testing. Allele origin: germline.
Comment: This sequence change replaces leucine with proline at codon 141 of the GNPTAB protein (p.Leu141Pro). The leucine residue is highly conserved and there is a moderate physicochemical difference between leucine and proline. This variant is not present in population databases (ExAC no frequency). This variant has not been reported in the literature in individuals with GNPTAB-related conditions. Advanced modeling of protein sequence and biophysical properties (such as structural, functional, and spatial information, amino acid conservation, physicochemical variation, residue mobility, and thermodynamic stability) performed at Invitae indicates that this missense variant is expected to disrupt GNPTAB protein function. In summary, the available evidence is currently insufficient to determine the role of this variant in disease. Therefore, it has been classified as a Variant of Uncertain Significance.

NM_024312.5(GNPTAB):c.422T>C (p.Leu141Pro)

Gene: GNPTAB (N-acetylglucosamine-1-phosphate transferase subunits alpha and beta; minus strand). Cytogenetic location: 12q23.2.
Variant type: single nucleotide variant.
Coding change: c.422T>C on transcript NM_024312.5 (MANE Select); coding-DNA position 422, T replaced by C.
Protein change: p.Leu141Pro; replaces leucine 141 with proline.
Molecular consequence: missense variant.
Genome position (GRCh38, 1-based): chr12:101,786,161, A>G on the plus strand (T>C on the coding strand, the complement: GNPTAB is on the minus strand). VCF-style: chr12-101786161-A-G. GRCh37 (hg19) VCF-style: chr12-102179939-A-G.
Other names: short protein forms L141P.
Identifiers: ClinVar variation 1447102 (VCV001447102.5), dbSNP rs1051498174, ClinGen allele CA242473477.